The following is an entry in ClinVar:

ClinVar aggregate classification (germline): Pathogenic (1 of 4 stars; one submission).

Conditions:
Werner syndrome (WRN). Identifiers: Orphanet 902, MedGen C0043119, MONDO:0010196, OMIM 277700.

Submission:

Labcorp Genetics (formerly Invitae), Labcorp
Classification: Pathogenic for Werner syndrome. Last evaluated: 2024-01-14. Review status: criteria provided, single submitter. Criteria: Invitae Variant Classification Sherloc (09022015). Collection method: clinical testing. Allele origin: germline.
Comment: This sequence change creates a premature translational stop signal (p.Val367Serfs*9) in the WRN gene. It is expected to result in an absent or disrupted protein product. Loss-of-function variants in WRN are known to be pathogenic (PMID: 16673358). This variant is not present in population databases (gnomAD no frequency). This variant has not been reported in the literature in individuals affected with WRN-related conditions. For these reasons, this variant has been classified as Pathogenic.

Literature cited by the submitters: PubMed 16673358.

NM_000553.6(WRN):c.1098dup (p.Val367fs)

Gene: WRN (WRN RecQ like helicase; plus strand). Cytogenetic location: 8p12.
Variant type: Duplication.
Coding change: c.1098dup on transcript NM_000553.6 (MANE Select); coding-DNA position 1098, one base duplicated (A; older notation c.1098dupA).
Protein change: p.Val367fs; shifts the reading frame from valine 367.
Molecular consequence: frameshift variant.
Genome position (GRCh38, 1-based): chr8:31,081,125, A duplicated; the last of 3 consecutive A bases (chr8:31,081,123-31,081,125); duplicating any one gives the same sequence. VCF-style (leftmost placement, unchanged base first): chr8-31081122-T-TA. GRCh37 (hg19) VCF-style: chr8-30938638-T-TA.
Other names: short protein forms V367fs.
Identifiers: ClinVar variation 2709411 (VCV002709411.3), dbSNP rs2535910794, ClinGen allele CA2697549829.